The following is an entry in ClinVar:

NM_000349.3(STAR):c.787A>G (p.Thr263Ala)

Gene: STAR (steroidogenic acute regulatory protein; minus strand). Cytogenetic location: 8p11.23.
Variant type: single nucleotide variant.
Coding change: c.787A>G on transcript NM_000349.3 (MANE Select); coding-DNA position 787, A replaced by G.
Protein change: p.Thr263Ala; replaces threonine 263 with alanine.
Molecular consequence: missense variant.
Genome position (GRCh38, 1-based): chr8:38,144,344, T>C on the plus strand (A>G on the coding strand, the complement: STAR is on the minus strand). VCF-style: chr8-38144344-T-C. GRCh37 (hg19) VCF-style: chr8-38001862-T-C.
Other names: short protein forms T263A.
Identifiers: ClinVar variation 1995298 (VCV001995298.4), dbSNP rs2487055605, ClinGen allele CA370695888.

ClinVar aggregate classification (germline): Uncertain significance (1 of 4 stars; one submission).

Submission:

Labcorp Genetics (formerly Invitae), Labcorp
Classification: Uncertain significance. Last evaluated: 2022-10-25. Review status: criteria provided, single submitter. Criteria: Invitae Variant Classification Sherloc (09022015). Collection method: clinical testing. Allele origin: germline.
Comment: This sequence change replaces threonine, which is neutral and polar, with alanine, which is neutral and non-polar, at codon 263 of the STAR protein (p.Thr263Ala). This variant is not present in population databases (gnomAD no frequency). This variant has not been reported in the literature in individuals affected with STAR-related conditions. Advanced modeling of protein sequence and biophysical properties (such as structural, functional, and spatial information, amino acid conservation, physicochemical variation, residue mobility, and thermodynamic stability) performed at Invitae indicates that this missense variant is not expected to disrupt STAR protein function. In summary, the available evidence is currently insufficient to determine the role of this variant in disease. Therefore, it has been classified as a Variant of Uncertain Significance.